The following is an entry in ClinVar:

ClinVar aggregate classification (germline): Likely pathogenic (1 of 4 stars; one submission).

Conditions:
Muscular dystrophy-dystroglycanopathy (congenital with brain and eye anomalies), type A3. Also called: Muscular dystrophy-dystroglycanopathy (congenital with brain and eye anomalies), type A, 3; Congenital muscular dystrophy-dystroglycanopathy with brain and eye anomalies, type A3; WALKER-WARBURG SYNDROME OR MUSCLE-EYE-BRAIN DISEASE, POMGNT1-RELATED. Identifiers: MedGen C3151519, MONDO:0009667, OMIM 253280.

Submission:

Myriad Genetics, Inc.
Classification: Likely pathogenic for Muscular dystrophy-dystroglycanopathy (congenital with brain and eye anomalies), type A3. Last evaluated: 2022-03-30. Review status: criteria provided, single submitter. Criteria: Myriad Women's Health Autosomal Recessive and X-Linked Classification Criteria (2021). Collection method: clinical testing. Allele origin: unknown.
Comment: NM_017739.3(POMGNT1):c.226C>T(Q76*) is expected to be pathogenic in the context of POMGNT-related disorders. This variant is predicted to lead to an abnormal or absent protein product due to the creation of a premature termination codon in POMGNT1, a gene where loss-of-function variants are known to be pathogenic. Please note: this variant was assessed in the context of healthy population screening.

NM_017739.4(POMGNT1):c.226C>T (p.Gln76Ter)

Gene: POMGNT1 (protein O-linked mannose N-acetylglucosaminyltransferase 1 (beta 1,2-); minus strand). Cytogenetic location: 1p34.1.
Variant type: single nucleotide variant.
Coding change: c.226C>T on transcript NM_017739.4 (MANE Select); coding-DNA position 226, C replaced by T.
Protein change: p.Gln76Ter; replaces glutamine 76 with a stop codon.
Molecular consequence: nonsense. On other transcripts: 5 prime UTR variant (1).
Genome position (GRCh38, 1-based): chr1:46,196,979, G>A on the plus strand (C>T on the coding strand, the complement: POMGNT1 is on the minus strand). VCF-style: chr1-46196979-G-A. GRCh37 (hg19) VCF-style: chr1-46662651-G-A.
Other names: c.226C>T, p.Gln76Ter (NM_001243766.2, NM_001410783.1); c.160C>T, p.Gln54Ter (NM_001290129.3); c.-204C>T (NM_001290130.2); short protein forms Q54*, Q76*.
Identifiers: ClinVar variation 1725618 (VCV001725618.2), dbSNP rs972657462, ClinGen allele CA340191847.